The following is an entry in ClinVar:

ClinVar aggregate classification (germline): Pathogenic (1 of 4 stars; one submission).

Allele frequency attached by ClinVar (database versions not stated): gnomAD exomes 0.00001.

Submission:

Labcorp Genetics (formerly Invitae), Labcorp
Classification: Pathogenic. Last evaluated: 2026-01-21. Review status: criteria provided, single submitter. Criteria: Invitae Variant Classification Sherloc (09022015). Collection method: clinical testing. Allele origin: germline.
Comment: This sequence change creates a premature translational stop signal (p.Glu168Lysfs*32) in the LZTR1 gene. It is expected to result in an absent or disrupted protein product. Loss-of-function variants in LZTR1 are known to be pathogenic (PMID: 24362817, 25335493, 25480913, 25795793, 29469822, 30368668, 30442762, 30442766, 30481304, 30859559). This variant is not present in population databases (gnomAD no frequency). This variant has not been reported in the literature in individuals affected with LZTR1-related conditions. ClinVar contains an entry for this variant (Variation ID: 2744577). For these reasons, this variant has been classified as Pathogenic.

Literature cited by the submitters: PubMed 24362817; PubMed 25335493; PubMed 25480913; PubMed 25795793; PubMed 29469822; PubMed 30368668; PubMed 30442762; PubMed 30442766; PubMed 30481304; PubMed 30859559.

NM_006767.4(LZTR1):c.502del (p.Glu168fs)

Gene: LZTR1 (leucine zipper like post translational regulator 1; plus strand). Cytogenetic location: 22q11.21.
Variant type: Deletion.
Coding change: c.502del on transcript NM_006767.4 (MANE Select); coding-DNA position 502, one base deleted (G; older notation c.502delG).
Protein change: p.Glu168fs; shifts the reading frame from glutamic acid 168.
Molecular consequence: frameshift variant.
Genome position (GRCh38, 1-based): chr22:20,988,111, G deleted. VCF-style (leftmost placement, unchanged base first): chr22-20988110-TG-T. GRCh37 (hg19) VCF-style: chr22-21342399-TG-T.
Other names: short protein forms E168fs.
Identifiers: ClinVar variation 2744577 (VCV002744577.3), dbSNP rs2518613394, ClinGen allele CA2577655853.